The following is an entry in ClinVar:

ClinVar aggregate classification (germline): Pathogenic (1 of 4 stars; one submission).

Submission:

Labcorp Genetics (formerly Invitae), Labcorp
Classification: Pathogenic. Last evaluated: 2025-03-31. Review status: criteria provided, single submitter. Criteria: Invitae Variant Classification Sherloc (09022015). Collection method: clinical testing. Allele origin: germline.
Comment: This sequence change creates a premature translational stop signal (p.Val927Glyfs*97) in the LAMA1 gene. It is expected to result in an absent or disrupted protein product. Loss-of-function variants in LAMA1 are known to be pathogenic (PMID: 25105227, 26932191). This variant is not present in population databases (gnomAD no frequency). This variant has not been reported in the literature in individuals affected with LAMA1-related conditions. For these reasons, this variant has been classified as Pathogenic.

Literature cited by the submitters: PubMed 25105227; PubMed 26932191.

NM_005559.4(LAMA1):c.2780del (p.Val927fs)

Gene: LAMA1 (laminin subunit alpha 1; minus strand). Cytogenetic location: 18p11.31.
Variant type: Deletion.
Coding change: c.2780del on transcript NM_005559.4 (MANE Select); coding-DNA position 2780, one base deleted (T; older notation c.2780delT).
Protein change: p.Val927fs; shifts the reading frame from valine 927.
Molecular consequence: frameshift variant.
Genome position (GRCh38, 1-based): chr18:7,017,306, A deleted on the plus strand (T on the coding strand, the reverse complement: LAMA1 is on the minus strand). VCF-style (leftmost placement, unchanged base first): chr18-7017305-CA-C. GRCh37 (hg19) VCF-style: chr18-7017304-CA-C.
Other names: short protein forms V927fs.
Identifiers: ClinVar variation 4760678 (VCV004760678.1).